The following is an entry in ClinVar:

ClinVar aggregate classification (germline): Uncertain significance. Review status: criteria provided, multiple submitters, no conflicts (2 of 4 stars). 2 submissions from 2 submitters: Uncertain significance (2). Last evaluated 2025-08-06.

Conditions:
Inborn genetic diseases. Identifiers: MedGen C0950123, MeSH D030342.

Allele frequency attached by ClinVar (database versions not stated): gnomAD exomes below 0.00001; TOPMed below 0.00001; ExAC 0.00001; gnomAD 0.00001.
gnomAD v4.1: 3 of 1,609,320 alleles (0.00019%); highest among the groups gnomAD compares: Non-Finnish European, 0.00026%; no homozygotes.

Submissions (2):

Ambry Genetics
Classification: Uncertain significance for Inborn genetic diseases. Last evaluated: 2025-08-06. Review status: criteria provided, single submitter. Criteria: Ambry Variant Classification Scheme 2023. Collection method: clinical testing. Allele origin: germline.

Labcorp Genetics (formerly Invitae), Labcorp
Classification: Uncertain significance. Last evaluated: 2022-10-17. Review status: criteria provided, single submitter. Criteria: Invitae Variant Classification Sherloc (09022015). Collection method: clinical testing. Allele origin: germline.
Comment: In summary, the available evidence is currently insufficient to determine the role of this variant in disease. Therefore, it has been classified as a Variant of Uncertain Significance. Advanced modeling of protein sequence and biophysical properties (such as structural, functional, and spatial information, amino acid conservation, physicochemical variation, residue mobility, and thermodynamic stability) performed at Invitae indicates that this missense variant is not expected to disrupt NARS2 protein function. This variant has not been reported in the literature in individuals affected with NARS2-related conditions. This variant is present in population databases (rs760348257, gnomAD 0.0009%). This sequence change replaces threonine, which is neutral and polar, with serine, which is neutral and polar, at codon 340 of the NARS2 protein (p.Thr340Ser).

NM_024678.6(NARS2):c.1018A>T (p.Thr340Ser)

Gene: NARS2 (asparaginyl-tRNA synthetase 2, mitochondrial; minus strand). Cytogenetic location: 11q14.1.
Variant type: single nucleotide variant.
Coding change: c.1018A>T on transcript NM_024678.6 (MANE Select); coding-DNA position 1018, A replaced by T.
Protein change: p.Thr340Ser; replaces threonine 340 with serine.
Molecular consequence: missense variant.
Genome position (GRCh38, 1-based): chr11:78,469,255, T>A on the plus strand (A>T on the coding strand, the complement: NARS2 is on the minus strand). VCF-style: chr11-78469255-T-A. GRCh37 (hg19) VCF-style: chr11-78180301-T-A.
Other names: c.1018A>T (NM_024678.5); c.337A>T, p.Thr113Ser (NM_001243251.2); short protein forms T340S, T113S.
Identifiers: ClinVar variation 1944187 (VCV001944187.6), dbSNP rs760348257, ClinGen allele CA6205620.